The following is an entry in ClinVar:

ClinVar aggregate classification (germline): Conflicting classifications of pathogenicity. Review status: criteria provided, conflicting classifications (1 of 4 stars). 3 submissions from 3 submitters: Uncertain significance (2); Likely benign (1). Last evaluated 2025-01-17.

Allele frequency attached by ClinVar (database versions not stated): gnomAD 0.00009; TOPMed 0.00009; ExAC 0.00014; ESP Exome Variant Server 0.00015.
gnomAD v4.1: 90 of 1,604,838 alleles (0.0056%); highest among the groups gnomAD compares: Middle Eastern, 0.033%; no homozygotes.

Submissions (3):

Ambry Genetics
Classification: Uncertain significance. Last evaluated: 2025-01-17. Review status: criteria provided, single submitter. Criteria: Ambry Variant Classification Scheme 2023. Collection method: clinical testing. Allele origin: germline.

Blueprint Genetics
Classification: Likely benign. Last evaluated: 2024-05-21. Review status: criteria provided, single submitter. Criteria: ACMG Guidelines, 2015. Collection method: clinical testing. Allele origin: germline.

Labcorp Genetics (formerly Invitae), Labcorp
Classification: Uncertain significance. Last evaluated: 2021-09-01. Review status: criteria provided, single submitter. Criteria: Invitae Variant Classification Sherloc (09022015). Collection method: clinical testing. Allele origin: germline.
Comment: This sequence change replaces arginine with histidine at codon 153 of the SAMD11 protein (p.Arg153His). The arginine residue is weakly conserved and there is a small physicochemical difference between arginine and histidine. This variant is present in population databases (rs374848064, ExAC 0.07%). This variant has not been reported in the literature in individuals affected with SAMD11-related conditions. Algorithms developed to predict the effect of missense changes on protein structure and function output the following: SIFT: "Tolerated"; PolyPhen-2: "Benign"; Align-GVGD: "Class C0". The histidine amino acid residue is found in multiple mammalian species, which suggests that this missense change does not adversely affect protein function. In summary, the available evidence is currently insufficient to determine the role of this variant in disease. Therefore, it has been classified as a Variant of Uncertain Significance.

NM_001385641.1(SAMD11):c.995G>A (p.Arg332His)

Gene: SAMD11 (sterile alpha motif domain containing 11; plus strand). Cytogenetic location: 1p36.33.
Variant type: single nucleotide variant.
Coding change: c.995G>A on transcript NM_001385641.1 (MANE Select); coding-DNA position 995, G replaced by A.
Protein change: p.Arg332His; replaces arginine 332 with histidine.
Molecular consequence: missense variant.
Genome position (GRCh38, 1-based): chr1:939,067, G>A. VCF-style: chr1-939067-G-A. GRCh37 (hg19) VCF-style: chr1-874447-G-A.
Other names: c.458G>A (NM_152486.2); c.995G>A, p.Arg332His (NM_001385640.1); c.458G>A, p.Arg153His (NM_152486.4); short protein forms R153H, R332H.
Identifiers: ClinVar variation 1043874 (VCV001043874.8), dbSNP rs374848064, ClinGen allele CA502630.